The following is an entry in ClinVar:

ClinVar aggregate classification (germline): Uncertain significance. Review status: criteria provided, multiple submitters, no conflicts (2 of 4 stars). 3 submissions from 3 submitters: Uncertain significance (2). 1 of the submissions does not count toward it. Last evaluated 2026-02-18.

Conditions:
Cystic fibrosis (CF). Also called: MUCOVISCIDOSIS. Identifiers: Orphanet 586, MedGen C0010674, MONDO:0009061, OMIM 219700. Disease mechanism: loss of function.

Allele frequency attached by ClinVar (database versions not stated): gnomAD 0.00001.
gnomAD v4.1: 5 of 1,610,310 alleles (0.00031%); highest among the groups gnomAD compares: East Asian, 0.0022%; no homozygotes.

Submissions (3):

Ambry Genetics
Classification: Uncertain significance for Cystic fibrosis. Last evaluated: 2026-02-18. Review status: criteria provided, single submitter. Criteria: Ambry Variant Classification Scheme 2023. Collection method: clinical testing. Allele origin: germline.
Comment: The p.H1054Y variant (also known as c.3160C>T), located in coding exon 20 of the CFTR gene, results from a C to T substitution at nucleotide position 3160. The histidine at codon 1054 is replaced by tyrosine, an amino acid with similar properties. This amino acid position is highly conserved in available vertebrate species. In addition, this alteration is predicted to be deleterious by in silico analysis. Based on the available evidence, the clinical significance of this variant remains unclear.

Labcorp Genetics (formerly Invitae), Labcorp
Classification: Uncertain significance for Cystic fibrosis. Last evaluated: 2019-12-19. Review status: criteria provided, single submitter. Criteria: Invitae Variant Classification Sherloc (09022015). Collection method: clinical testing. Allele origin: germline.
Comment: In summary, the available evidence is currently insufficient to determine the role of this variant in disease. Therefore, it has been classified as a Variant of Uncertain Significance. This variant disrupts the p.His1054 amino acid residue in CFTR. Other variant(s) that disrupt this residue have been determined to be pathogenic (PMID: 7505690, 15463882, 23891399, 8662892). This suggests that this residue is clinically significant, and that variants that disrupt this residue are likely to be disease-causing. Algorithms developed to predict the effect of missense changes on protein structure and function are either unavailable or do not agree on the potential impact of this missense change (SIFT: "Deleterious"; PolyPhen-2: "Possibly Damaging"; Align-GVGD: "Class C15"). This variant has not been reported in the literature in individuals with CFTR-related conditions. This variant is not present in population databases (ExAC no frequency). This sequence change replaces histidine with tyrosine at codon 1054 of the CFTR protein (p.His1054Tyr). The histidine residue is highly conserved and there is a moderate physicochemical difference between histidine and tyrosine.

Natera, Inc.
Classification: Uncertain significance for Cystic Fibrosis. Last evaluated: 2020-09-16. Review status: no assertion criteria provided. Collection method: clinical testing. Allele origin: germline. Not counted in ClinVar's aggregate classification.

Literature cited by the submitters: PubMed 7505690 (cited by Labcorp Genetics (formerly Invitae), Labcorp); PubMed 15463882 (cited by Labcorp Genetics (formerly Invitae), Labcorp); PubMed 23891399 (cited by Labcorp Genetics (formerly Invitae), Labcorp); PubMed 8662892 (cited by Labcorp Genetics (formerly Invitae), Labcorp).

NM_000492.4(CFTR):c.3160C>T (p.His1054Tyr)

Genes: CFTR (CF transmembrane conductance regulator; plus strand), CFTR-AS2 (CFTR antisense RNA 2; minus strand), LOC111674472 (DNase I hypersensitive sites in introns 16 and 17a of CFTR; plus strand). Cytogenetic location: 7q31.2.
Variant type: single nucleotide variant.
Coding change: c.3160C>T on transcript NM_000492.4 (MANE Select); coding-DNA position 3160, C replaced by T.
Protein change: p.His1054Tyr; replaces histidine 1054 with tyrosine.
Molecular consequence: missense variant.
Genome position (GRCh38, 1-based): chr7:117,611,601, C>T. VCF-style: chr7-117611601-C-T. GRCh37 (hg19) VCF-style: chr7-117251655-C-T.
Other names: short protein forms H1054Y.
Identifiers: ClinVar variation 851899 (VCV000851899.11), dbSNP rs397508510, ClinGen allele CA368991857.